The following is an entry in ClinVar:

NM_003482.4(KMT2D):c.5542G>A (p.Asp1848Asn)

Gene: KMT2D (lysine methyltransferase 2D; minus strand). Cytogenetic location: 12q13.12.
Variant type: single nucleotide variant.
Coding change: c.5542G>A on transcript NM_003482.4 (MANE Select); coding-DNA position 5542, G replaced by A.
Protein change: p.Asp1848Asn; replaces aspartic acid 1848 with asparagine.
Molecular consequence: missense variant.
Genome position (GRCh38, 1-based): chr12:49,043,178, C>T on the plus strand (G>A on the coding strand, the complement: KMT2D is on the minus strand). VCF-style: chr12-49043178-C-T. GRCh37 (hg19) VCF-style: chr12-49436961-C-T.
Other names: short protein forms D1848N.
Identifiers: ClinVar variation 1329828 (VCV001329828.7), dbSNP rs1392313479, ClinGen allele CA384630296.
Genomic context (GRCh38, chr12:49,043,178, plus strand): 5'-CACCTGGGGTGCCTGGCTTCTCAGGGTCACTGGGCACTGGGGATGCCTTCACGCCCCCAT[C>T]CTCAGGTCCTGTAAATGCCAGGAGAAACCCATGGGTCAAGGCCAGGATGGGTCATGGCCA-3'
Protein context (NP_003473.3, residues 1838-1858): EGKADTPGPE[Asp1848Asn]GGVKASPVPS

ClinVar aggregate classification (germline): Uncertain significance. Review status: criteria provided, multiple submitters, no conflicts (2 of 4 stars). 2 submissions from 2 submitters: Uncertain significance (2). Last evaluated 2022-09-27.

Conditions:
Kabuki syndrome. Also called: NIIKAWA-KUROKI SYNDROME; Kabuki make-up syndrome. Identifiers: Orphanet 2322, MedGen C0796004, MONDO:0016512.

Allele frequency attached by ClinVar (database versions not stated): TOPMed below 0.00001.

Submissions (2):

Labcorp Genetics (formerly Invitae), Labcorp
Classification: Uncertain significance for Kabuki syndrome. Last evaluated: 2022-09-27. Review status: criteria provided, single submitter. Criteria: Invitae Variant Classification Sherloc (09022015). Collection method: clinical testing. Allele origin: germline.
Comment: This variant is not present in population databases (gnomAD no frequency). This sequence change replaces aspartic acid, which is acidic and polar, with asparagine, which is neutral and polar, at codon 1848 of the KMT2D protein (p.Asp1848Asn). In summary, the available evidence is currently insufficient to determine the role of this variant in disease. Therefore, it has been classified as a Variant of Uncertain Significance. Advanced modeling of protein sequence and biophysical properties (such as structural, functional, and spatial information, amino acid conservation, physicochemical variation, residue mobility, and thermodynamic stability) performed at Invitae indicates that this missense variant is not expected to disrupt KMT2D protein function. ClinVar contains an entry for this variant (Variation ID: 1329828). This variant has not been reported in the literature in individuals affected with KMT2D-related conditions.

GeneDx
Classification: Uncertain significance. Last evaluated: 2021-06-23. Review status: criteria provided, single submitter. Criteria: GeneDx Variant Classification Process June 2021. Collection method: clinical testing. Allele origin: germline. Affected: yes.
Comment: Not observed at significant frequency in large population cohorts (Lek et al., 2016); In silico analysis supports that this missense variant does not alter protein structure/function; Has not been previously published as pathogenic or benign to our knowledge; This variant is associated with the following publications: (PMID: 27535533)